The following is an entry in ClinVar:

NM_004970.3(IGFALS):c.-19A>G

Gene: IGFALS (insulin like growth factor binding protein acid labile subunit; minus strand). Cytogenetic location: 16p13.3.
Variant type: single nucleotide variant.
Coding change: c.-19A>G on transcript NM_004970.3 (MANE Select); 19 bases upstream of the start codon, A replaced by G.
Molecular consequence: 5 prime UTR variant.
Genome position (GRCh38, 1-based): chr16:1,793,671, T>C on the plus strand (A>G on the coding strand, the complement: IGFALS is on the minus strand). VCF-style: chr16-1793671-T-C. GRCh37 (hg19) VCF-style: chr16-1843672-T-C.
Other names: c.-19A>G (NM_001146006.2).
Identifiers: ClinVar variation 318273 (VCV000318273.8), dbSNP rs3817902, ClinGen allele CA7820816.

ClinVar aggregate classification (germline): Benign. Review status: criteria provided, multiple submitters, no conflicts (2 of 4 stars). 4 submissions from 4 submitters: Benign (4). Last evaluated 2026-05-08.

Conditions:
Short stature due to primary acid-labile subunit deficiency. Also called: Acid-labile subunit, deficiency of; Acid-labile subunit deficiency. Identifiers: Orphanet 140941, MedGen C3900122, MONDO:0014420, OMIM 615961.

Allele frequency attached by ClinVar (database versions not stated): 1000 Genomes Project 30x 0.67114; gnomAD 0.69235 and 0.69650; ExAC 0.69991; TOPMed 0.71048; ESP Exome Variant Server 0.71762; 1000 Genomes Project 0.66873.

Submissions (4):

Women's Health and Genetics/Laboratory Corporation of America, LabCorp
Classification: Benign. Last evaluated: 2026-05-08. Review status: criteria provided, single submitter. Criteria: LabCorp Variant Classification Summary - May 2015. Collection method: clinical testing. Allele origin: germline.

Blueprint Genetics
Classification: Benign. Last evaluated: 2024-11-27. Review status: criteria provided, single submitter. Criteria: ACMG Guidelines, 2015. Collection method: clinical testing. Allele origin: germline.

Illumina Laboratory Services, Illumina
Classification: Benign for Short stature due to primary acid-labile subunit deficiency. Last evaluated: 2018-01-13. Review status: criteria provided, single submitter. Criteria: ICSL Variant Classification Criteria 13 December 2019. Collection method: clinical testing. Allele origin: germline.
Comment: This variant was observed in the ICSL laboratory as part of a predisposition screen in an ostensibly healthy population. It had not been previously curated by ICSL or reported in the Human Gene Mutation Database (HGMD: prior to June 1st, 2018), and was therefore a candidate for classification through an automated scoring system. Utilizing variant allele frequency, disease prevalence and penetrance estimates, and inheritance mode, an automated score was calculated to assess if this variant is too frequent to cause the disease. Based on the score and internal cut-off values, a variant classified as benign is not then subjected to further curation. The score for this variant resulted in a classification of benign for this disease.

Breakthrough Genomics
Classification: Benign. Review status: criteria provided, single submitter. Criteria: ACMG Guidelines, 2015. Collection method: not provided. Allele origin: germline. Inheritance: Autosomal recessive inheritance. Affected: yes.